The following is an entry in ClinVar:

NM_002435.3(MPI):c.144+2T>C

Gene: MPI (mannose phosphate isomerase; plus strand). Cytogenetic location: 15q24.1.
Variant type: single nucleotide variant.
Coding change: c.144+2T>C on transcript NM_002435.3 (MANE Select); the canonical splice donor site of the intron after coding-DNA position 144, T replaced by C.
Molecular consequence: splice donor variant. On other transcripts: intron variant (1).
Genome position (GRCh38, 1-based): chr15:74,890,656, T>C. VCF-style: chr15-74890656-T-C. GRCh37 (hg19) VCF-style: chr15-75182997-T-C.
Other names: c.84+2T>C (NM_001330372.2); c.144+2T>C (NM_001289155.2, NM_001289157.2); c.-7+567T>C (NM_001289156.2).
Identifiers: ClinVar variation 2992098 (VCV002992098.3), dbSNP rs1596441025, ClinGen allele CA393169776.
Genomic context (GRCh38, chr15:74,890,656, plus strand): 5'-GGCTGTTGGCCAGCAGTGATCCACTGGCCCAGATCGCAGAGGACAAGCCTTATGCAGAGG[T>C]GAGCCCCGGGCTGTATTTCAGCCCACTTTACCCGCAGGTCAGGAGAAAGGGCCTGAGGCA-3'

ClinVar aggregate classification (germline): Likely pathogenic (1 of 4 stars; one submission).

Conditions:
MPI-congenital disorder of glycosylation. Also called: MPI DEFICIENCY; CONGENITAL DISORDER OF GLYCOSYLATION, TYPE Ib; MPI-CDG; CDG Ib; MANNOSEPHOSPHATE ISOMERASE DEFICIENCY; PROTEIN-LOSING ENTEROPATHY-HEPATIC FIBROSIS SYNDROME. Identifiers: Orphanet 79319, MedGen C1865145, MONDO:0011257, OMIM 602579.

Submission:

Labcorp Genetics (formerly Invitae), Labcorp
Classification: Likely pathogenic for MPI-congenital disorder of glycosylation. Last evaluated: 2022-12-25. Review status: criteria provided, single submitter. Criteria: Invitae Variant Classification Sherloc (09022015). Collection method: clinical testing. Allele origin: germline.
Comment: This variant is not present in population databases (gnomAD no frequency). In summary, the currently available evidence indicates that the variant is pathogenic, but additional data are needed to prove that conclusively. Therefore, this variant has been classified as Likely Pathogenic. Algorithms developed to predict the effect of sequence changes on RNA splicing suggest that this variant may disrupt the consensus splice site. This variant has not been reported in the literature in individuals affected with MPI-related conditions. This sequence change affects a donor splice site in intron 2 of the MPI gene. It is expected to disrupt RNA splicing. Variants that disrupt the donor or acceptor splice site typically lead to a loss of protein function (PMID: 16199547), and loss-of-function variants in MPI are known to be pathogenic (PMID: 19862844).

Literature cited by the submitters: PubMed 16199547; PubMed 19862844.